The following is an entry in ClinVar:

ClinVar aggregate classification (germline): Pathogenic/Likely pathogenic. Review status: criteria provided, multiple submitters, no conflicts (2 of 4 stars). 4 submissions from 4 submitters: Pathogenic (3); Likely pathogenic (1). Last evaluated 2024-05-24.

Conditions:
Acute lymphoid leukemia (ALL). Also called: Acute lymphoblastic leukemia; Acute lymphocytic leukemia; Lymphoblastic leukemia; Leukemia, acute lymphoblastic, somatic. Identifiers: Orphanet 513, MedGen C0023449, MONDO:0004967, OMIM 613065, HP:0006721.
Microcephaly, normal intelligence and immunodeficiency (NBS). Also called: IMMUNODEFICIENCY, MICROCEPHALY, AND CHROMOSOMAL INSTABILITY; SEEMANOVA SYNDROME II; Nijmegen breakage syndrome; Microcephaly with normal intelligence immunodeficiency and lymphoreticular malignancies; Nonsyndromal microcephaly autosomal recessive with normal intelligence; Seemanova syndrome 2. Identifiers: Orphanet 647, MedGen C0398791, MONDO:0009623, OMIM 251260.
Aplastic anemia. Identifiers: Orphanet 182040, Orphanet 88, MedGen C0002874, MONDO:0015909, OMIM 609135, HP:0001915.
Hereditary cancer-predisposing syndrome. Also called: Hereditary neoplastic syndrome; Neoplastic Syndromes, Hereditary; Tumor predisposition; Hereditary Cancer Syndrome. Identifiers: Orphanet 140162, MedGen C0027672, MeSH D009386, MONDO:0015356.

Submissions (4):

Fulgent Genetics
Classification: Likely pathogenic for Microcephaly, normal intelligence and immunodeficiency; Aplastic anemia; Acute lymphoid leukemia. Last evaluated: 2024-05-24. Review status: criteria provided, single submitter. Criteria: ACMG Guidelines, 2015. Collection method: clinical testing. Allele origin: germline.

Labcorp Genetics (formerly Invitae), Labcorp
Classification: Pathogenic for Microcephaly, normal intelligence and immunodeficiency. Last evaluated: 2023-07-17. Review status: criteria provided, single submitter. Criteria: Invitae Variant Classification Sherloc (09022015). Collection method: clinical testing. Allele origin: germline.
Comment: For these reasons, this variant has been classified as Pathogenic. ClinVar contains an entry for this variant (Variation ID: 483971). This variant has not been reported in the literature in individuals affected with NBN-related conditions. This variant is not present in population databases (gnomAD no frequency). This sequence change creates a premature translational stop signal (p.Glu179Phefs*6) in the NBN gene. It is expected to result in an absent or disrupted protein product. Loss-of-function variants in NBN are known to be pathogenic (PMID: 9590180, 16415040).

Ambry Genetics
Classification: Pathogenic for Hereditary cancer-predisposing syndrome. Last evaluated: 2022-01-05. Review status: criteria provided, single submitter. Criteria: Ambry Variant Classification Scheme 2023. Collection method: clinical testing. Allele origin: germline.
Comment: The c.535_537delGAAinsT pathogenic mutation, located in coding exon 5 of the NBN gene, results from the deletion of 3 nucleotides and insertion of one nucleotide causing a translational frameshift with a predicted alternate stop codon (p.E179Ffs*6). This alteration is expected to result in loss of function by premature protein truncation or nonsense-mediated mRNA decay. As such, this alteration is interpreted as a disease-causing mutation.

Genome-Nilou Lab
Classification: Pathogenic for Microcephaly, normal intelligence and immunodeficiency. Last evaluated: 2021-11-07. Review status: criteria provided, single submitter. Criteria: ACMG Guidelines, 2015. Collection method: clinical testing. Allele origin: germline. Affected: no.

Literature cited by the submitters: PubMed 9590180 (cited by Labcorp Genetics (formerly Invitae), Labcorp); PubMed 16415040 (cited by Labcorp Genetics (formerly Invitae), Labcorp).

NM_002485.5(NBN):c.535_537delinsT (p.Glu179fs)

Gene: NBN (nibrin; minus strand). Cytogenetic location: 8q21.3.
Variant type: Indel.
Coding change: c.535_537delinsT on transcript NM_002485.5 (MANE Select); coding-DNA positions 535 to 537, GAA replaced by T.
Protein change: p.Glu179fs; shifts the reading frame from glutamic acid 179.
Molecular consequence: frameshift variant.
Genome position (GRCh38, 1-based): chr8:89,978,267-89,978,269, TTC replaced by A on the plus strand (GAA replaced by T on the coding strand, the reverse complement: NBN is on the minus strand). VCF-style: chr8-89978267-TTC-A. GRCh37 (hg19) VCF-style: chr8-90990495-TTC-A.
Other names: c.535_537delGAAinsT (NM_002485.4); c.289_291delinsT, p.Glu97fs (NM_001024688.3); short protein forms E179fs, E97fs.
Identifiers: ClinVar variation 483971 (VCV000483971.14), dbSNP rs1554566678, ClinGen allele CA658657809.